The following is an entry in ClinVar:

NM_020975.6(RET):c.1995C>A (p.His665Gln)

Gene: RET (ret proto-oncogene; plus strand). Cytogenetic location: 10q11.21.
Variant type: single nucleotide variant.
Coding change: c.1995C>A on transcript NM_020975.6 (MANE Select); coding-DNA position 1995, C replaced by A.
Protein change: p.His665Gln; replaces histidine 665 with glutamine.
Molecular consequence: missense variant.
Genome position (GRCh38, 1-based): chr10:43,114,595, C>A. VCF-style: chr10-43114595-C-A. GRCh37 (hg19) VCF-style: chr10-43610043-C-A.
Other names: c.1995C>A, p.His665Gln (NM_000323.2, NM_001406743.1, NM_001406744.1 and 4 more transcripts); c.1233C>A, p.His411Gln (NM_001355216.2); c.1866C>A, p.His622Gln (NM_001406761.1, NM_001406762.1, NM_001406764.1); c.1707C>A, p.His569Gln (NM_001406766.1, NM_001406767.1, NM_001406770.1); c.1599C>A, p.His533Gln (NM_001406769.1, NM_001406772.1); c.1557C>A, p.His519Gln (NM_001406771.1, NM_001406773.1); c.1470C>A, p.His490Gln (NM_001406774.1); c.1269C>A, p.His423Gln (NM_001406775.1, NM_001406776.1, NM_001406777.1 and 1 more transcripts); and 7 more; short protein forms H411Q, H665Q, H323Q, H326Q, H335Q, H423Q, H622Q, H182Q.
Identifiers: ClinVar variation 935830 (VCV000935830.13), dbSNP rs377767413, ClinGen allele CA376553102.

ClinVar aggregate classification (germline): Uncertain significance. Review status: criteria provided, multiple submitters, no conflicts (2 of 4 stars). 2 submissions from 2 submitters: Uncertain significance (2). Last evaluated 2024-10-30.

Conditions:
Multiple endocrine neoplasia, type 2 (MEN2). Identifiers: Orphanet 653, MedGen C4048306, MONDO:0019003. Disease mechanism: gain of function.

Allele frequency attached by ClinVar (database versions not stated): gnomAD exomes below 0.00001.
gnomAD v4.1: 4 of 1,613,064 alleles (0.00025%); highest among the groups gnomAD compares: Non-Finnish European, 0.000085%; no homozygotes.

Submissions (2):

Labcorp Genetics (formerly Invitae), Labcorp
Classification: Uncertain significance for Multiple endocrine neoplasia, type 2. Last evaluated: 2024-10-30. Review status: criteria provided, single submitter. Criteria: Invitae Variant Classification Sherloc (09022015). Collection method: clinical testing. Allele origin: germline.
Comment: This sequence change replaces histidine, which is basic and polar, with glutamine, which is neutral and polar, at codon 665 of the RET protein (p.His665Gln). This variant is not present in population databases (gnomAD no frequency). This variant has not been reported in the literature in individuals affected with RET-related conditions. ClinVar contains an entry for this variant (Variation ID: 935830). An algorithm developed to predict the effect of missense changes on protein structure and function (PolyPhen-2) suggests that this variant is likely to be tolerated. In summary, the available evidence is currently insufficient to determine the role of this variant in disease. Therefore, it has been classified as a Variant of Uncertain Significance.

Institute for Clinical Genetics, University Hospital TU Dresden, University Hospital TU Dresden
Classification: Uncertain significance. Last evaluated: 2021-11-03. Review status: criteria provided, single submitter. Criteria: ACMG Guidelines, 2015. Collection method: clinical testing. Allele origin: germline.